The following is an entry in ClinVar:

NM_000313.4(PROS1):c.1862G>T (p.Gly621Val)

Gene: PROS1 (protein S; minus strand). Cytogenetic location: 3q11.1.
Variant type: single nucleotide variant.
Coding change: c.1862G>T on transcript NM_000313.4 (MANE Select); coding-DNA position 1862, G replaced by T.
Protein change: p.Gly621Val; replaces glycine 621 with valine.
Molecular consequence: missense variant.
Genome position (GRCh38, 1-based): chr3:93,876,974, C>A on the plus strand (G>T on the coding strand, the complement: PROS1 is on the minus strand). VCF-style: chr3-93876974-C-A. GRCh37 (hg19) VCF-style: chr3-93595818-C-A.
Other names: c.1958G>T, p.Gly653Val (NM_001314077.2); short protein forms G621V, G653V.
Identifiers: ClinVar variation 1677268 (VCV001677268.1), dbSNP rs2107124949, ClinGen allele CA353670828.

ClinVar aggregate classification (germline): Likely pathogenic (1 of 4 stars; one submission).

Conditions:
Thrombophilia due to protein S deficiency, autosomal dominant (THPH5). Identifiers: Orphanet 26349, Orphanet 743, MedGen C3278211, MONDO:0012868, OMIM 612336. Disease mechanism: loss of function.

Submission:

ISTH-SSC Genomics in Thrombosis and Hemostasis, KU Leuven, Center for Molecular and Vascular Biology
Classification: Likely pathogenic for Thrombophilia due to protein S deficiency, autosomal dominant. Review status: criteria provided, single submitter. Criteria: ACMG Guidelines, 2015. Collection method: clinical testing. Allele origin: unknown. Affected: yes. Observed: 2 heterozygotes.
Comment: GoldVariant submitter: Dr Karyn Mégy NIHR Bioresource - Cambridge University, UK

Literature cited by the submitters: PubMed 34355501.